The following is an entry in ClinVar:

ClinVar aggregate classification (germline): Uncertain significance. Review status: criteria provided, multiple submitters, no conflicts (2 of 4 stars). 2 submissions from 2 submitters: Uncertain significance (2). Last evaluated 2025-12-08.

Conditions:
Inborn genetic diseases. Identifiers: MedGen C0950123, MeSH D030342.

Allele frequency attached by ClinVar (database versions not stated): gnomAD 0.00004 and 0.00003; gnomAD exomes 0.00001 and 0.00004; TOPMed 0.00003; ESP Exome Variant Server 0.00008; ExAC 0.00001.
gnomAD v4.1: 27 of 1,611,644 alleles (0.0017%); highest among the groups gnomAD compares: Admixed American, 0.0067%; no homozygotes.

Submissions (2):

Ambry Genetics
Classification: Uncertain significance for Inborn genetic diseases. Last evaluated: 2025-12-08. Review status: criteria provided, single submitter. Criteria: Ambry Variant Classification Scheme 2023. Collection method: clinical testing. Allele origin: germline.

Labcorp Genetics (formerly Invitae), Labcorp
Classification: Uncertain significance. Last evaluated: 2024-10-23. Review status: criteria provided, single submitter. Criteria: Invitae Variant Classification Sherloc (09022015). Collection method: clinical testing. Allele origin: germline.
Comment: This sequence change replaces threonine, which is neutral and polar, with isoleucine, which is neutral and non-polar, at codon 69 of the GTF2H5 protein (p.Thr69Ile). This variant is present in population databases (rs144130001, gnomAD 0.04%). This variant has not been reported in the literature in individuals affected with GTF2H5-related conditions. ClinVar contains an entry for this variant (Variation ID: 1406568). An algorithm developed to predict the effect of missense changes on protein structure and function (PolyPhen-2) suggests that this variant is likely to be disruptive. In summary, the available evidence is currently insufficient to determine the role of this variant in disease. Therefore, it has been classified as a Variant of Uncertain Significance.

NM_207118.3(GTF2H5):c.206C>T (p.Thr69Ile)

Gene: GTF2H5 (general transcription factor IIH subunit 5; plus strand). Cytogenetic location: 6q25.3.
Variant type: single nucleotide variant.
Coding change: c.206C>T on transcript NM_207118.3 (MANE Select); coding-DNA position 206, C replaced by T.
Protein change: p.Thr69Ile; replaces threonine 69 with isoleucine.
Molecular consequence: missense variant.
Genome position (GRCh38, 1-based): chr6:158,192,147, C>T. VCF-style: chr6-158192147-C-T. GRCh37 (hg19) VCF-style: chr6-158613179-C-T.
Other names: c.206C>T (NM_207118.2); short protein forms T69I.
Identifiers: ClinVar variation 1406568 (VCV001406568.7), dbSNP rs144130001, ClinGen allele CA4071624.